The following is an entry in ClinVar:

NM_001042492.3(NF1):c.776del (p.Ser259fs)

Gene: NF1 (neurofibromin 1; plus strand). Cytogenetic location: 17q11.2.
Variant type: Deletion.
Coding change: c.776del on transcript NM_001042492.3 (MANE Select); coding-DNA position 776, one base deleted (G; older notation c.776delG).
Protein change: p.Ser259fs; shifts the reading frame from serine 259.
Molecular consequence: frameshift variant.
Genome position (GRCh38, 1-based): chr17:31,182,553, G deleted. VCF-style (leftmost placement, unchanged base first): chr17-31182552-AG-A. GRCh37 (hg19) VCF-style: chr17-29509570-AG-A.
Other names: c.776delG, p.Ser259Thrfs (NM_000267.4); c.776del, p.Ser259fs (NM_001128147.3); short protein forms S259fs.
Identifiers: ClinVar variation 1354084 (VCV001354084.6), dbSNP rs2143785464, ClinGen allele CA2573153736.
Genomic context (GRCh38, chr17:31,182,552, plus strand): 5'-TATATTTTTCATGCAGAATGTGCAGAAAAGCTATTTGACTTGGTGGATGGTTTTGCTGAA[AG>A]CACCAAACGTAAAGCAGCAGTTTGGCCACTACAAATCATTCTCCTTATCTTGTGTCCAGA-3'

ClinVar aggregate classification (germline): Pathogenic (1 of 4 stars; one submission).

Conditions:
Neurofibromatosis, type 1 (NF1). Also called: NEUROFIBROMATOSIS, TYPE I, SOMATIC; VON RECKLINGHAUSEN DISEASE; Neurofibromatosis, type I; Peripheral type neurofibromatosis. Identifiers: Orphanet 636, MedGen C0027831, MONDO:0018975, OMIM 162200. Disease mechanism: loss of function.

Submission:

Labcorp Genetics (formerly Invitae), Labcorp
Classification: Pathogenic for Neurofibromatosis, type 1. Last evaluated: 2020-12-23. Review status: criteria provided, single submitter. Criteria: Invitae Variant Classification Sherloc (09022015). Collection method: clinical testing. Allele origin: germline.
Comment: This variant has not been reported in the literature in individuals with NF1-related conditions. This sequence change creates a premature translational stop signal (p.Ser259Thrfs*22) in the NF1 gene. It is expected to result in an absent or disrupted protein product. Loss-of-function variants in NF1 are known to be pathogenic (PMID: 10712197, 23913538). This variant is not present in population databases (ExAC no frequency). For these reasons, this variant has been classified as Pathogenic.

Literature cited by the submitters: PubMed 10712197; PubMed 23913538.